The following is an entry in ClinVar:

NM_198578.4(LRRK2):c.4648C>T (p.Arg1550Trp)

Gene: LRRK2 (leucine rich repeat kinase 2; plus strand). Cytogenetic location: 12q12.
Variant type: single nucleotide variant.
Coding change: c.4648C>T on transcript NM_198578.4 (MANE Select); coding-DNA position 4648, C replaced by T.
Protein change: p.Arg1550Trp; replaces arginine 1550 with tryptophan.
Molecular consequence: missense variant.
Genome position (GRCh38, 1-based): chr12:40,314,083, C>T. VCF-style: chr12-40314083-C-T. GRCh37 (hg19) VCF-style: chr12-40707885-C-T.
Other names: short protein forms R1550W.
Identifiers: ClinVar variation 1742162 (VCV001742162.5), dbSNP rs1555188401, ClinGen allele CA384418973.

ClinVar aggregate classification (germline): Uncertain significance. Review status: criteria provided, multiple submitters, no conflicts (2 of 4 stars). 2 submissions from 2 submitters: Uncertain significance (2). Last evaluated 2024-03-09.

Conditions:
Autosomal dominant Parkinson disease 8. Also called: Parkinson disease 8, susceptibility to; LRRK2-Related Parkinson Disease; Parkinson disease 8. Identifiers: Orphanet 411602, MedGen C1846862, MONDO:0011764, OMIM 607060.
Inborn genetic diseases. Identifiers: MedGen C0950123, MeSH D030342.

Allele frequency attached by ClinVar (database versions not stated): gnomAD 0.00001; gnomAD exomes 0.00001; TOPMed 0.00001.
gnomAD v4.1: 18 of 1,612,414 alleles (0.0011%); highest among the groups gnomAD compares: South Asian, 0.0033%; no homozygotes.

Submissions (2):

Ambry Genetics
Classification: Uncertain significance for Inborn genetic diseases. Last evaluated: 2024-03-09. Review status: criteria provided, single submitter. Criteria: Ambry Variant Classification Scheme 2023. Collection method: clinical testing. Allele origin: germline.
Comment: The p.R1550W variant (also known as c.4648C>T), located in coding exon 32 of the LRRK2 gene, results from a C to T substitution at nucleotide position 4648. The arginine at codon 1550 is replaced by tryptophan, an amino acid with dissimilar properties. This amino acid position is conserved. In addition, this alteration is predicted to be tolerated by in silico analysis. Since supporting evidence is limited at this time, the clinical significance of this alteration remains unclear.

Labcorp Genetics (formerly Invitae), Labcorp
Classification: Uncertain significance for Autosomal dominant Parkinson disease 8. Last evaluated: 2023-08-31. Review status: criteria provided, single submitter. Criteria: Invitae Variant Classification Sherloc (09022015). Collection method: clinical testing. Allele origin: germline.
Comment: In summary, the available evidence is currently insufficient to determine the role of this variant in disease. Therefore, it has been classified as a Variant of Uncertain Significance. Advanced modeling of protein sequence and biophysical properties (such as structural, functional, and spatial information, amino acid conservation, physicochemical variation, residue mobility, and thermodynamic stability) has been performed at Invitae for this missense variant, however the output from this modeling did not meet the statistical confidence thresholds required to predict the impact of this variant on LRRK2 protein function. ClinVar contains an entry for this variant (Variation ID: 1742162). This variant has not been reported in the literature in individuals affected with LRRK2-related conditions. This variant is not present in population databases (gnomAD no frequency). This sequence change replaces arginine, which is basic and polar, with tryptophan, which is neutral and slightly polar, at codon 1550 of the LRRK2 protein (p.Arg1550Trp).